The following is an entry in ClinVar:

ClinVar aggregate classification (germline): Likely pathogenic (1 of 4 stars; one submission).

Conditions:
Kabuki syndrome 1 (KABUK1). Also called: KMT2D-Related Kabuki Syndrome. Identifiers: Orphanet 2322, MedGen CN030661, MONDO:0007843, OMIM 147920.

Submission:

Johns Hopkins Genomics, Johns Hopkins University
Classification: Likely pathogenic for Kabuki syndrome 1. Last evaluated: 2020-05-26. Review status: criteria provided, single submitter. Criteria: ACMG Guidelines, 2015. Collection method: clinical testing. Allele origin: germline.
Comment: This variant in KMT2D is absent from a large population dataset and has not been previously reported in the academic literature or ClinVar to our knowledge. This frameshift variant results in a premature stop codon in exon 9 of 54 likely leading to nonsense?mediated decay and lack of protein production. We consider c.1223_1229dupAACCAGG to be likely pathogenic.

Literature cited by the submitters: PubMed 21766738; PubMed 25281733; PubMed 32083401.

NM_003482.4(KMT2D):c.1223_1229dup (p.Pro411fs)

Gene: KMT2D (lysine methyltransferase 2D; minus strand). Cytogenetic location: 12q13.12.
Variant type: Duplication.
Coding change: c.1223_1229dup on transcript NM_003482.4 (MANE Select); coding-DNA positions 1223 to 1229, 7 bases duplicated (AACCAGG; older notation c.1223_1229dupAACCAGG).
Protein change: p.Pro411fs; shifts the reading frame from proline 411.
Molecular consequence: frameshift variant.
Genome position (GRCh38, 1-based): chr12:49,052,593-49,052,599, CCTGGTT duplicated on the plus strand (AACCAGG on the coding strand, the reverse complement: KMT2D is on the minus strand); duplicating any 7 consecutive bases within chr12:49,052,593-49,052,602 gives the same sequence; the c. name uses the placement nearest the transcript's 3' end. VCF-style (leftmost placement, unchanged base first): chr12-49052592-C-CCCTGGTT. GRCh37 (hg19) VCF-style: chr12-49446375-C-CCCTGGTT.
Other names: short protein forms P411fs.
Identifiers: ClinVar variation 973888 (VCV000973888.1), dbSNP rs1938142007, ClinGen allele CA1139662624.